The following is an entry in ClinVar:

NM_020812.4(DOCK6):c.1450T>G (p.Ser484Ala)

Gene: DOCK6 (dedicator of cytokinesis 6; minus strand). Cytogenetic location: 19p13.2.
Variant type: single nucleotide variant.
Coding change: c.1450T>G on transcript NM_020812.4 (MANE Select); coding-DNA position 1450, T replaced by G.
Protein change: p.Ser484Ala; replaces serine 484 with alanine.
Molecular consequence: missense variant.
Genome position (GRCh38, 1-based): chr19:11,243,089, A>C on the plus strand (T>G on the coding strand, the complement: DOCK6 is on the minus strand). VCF-style: chr19-11243089-A-C. GRCh37 (hg19) VCF-style: chr19-11353765-A-C.
Other names: c.1450T>G, p.Ser484Ala (NM_001367830.1); short protein forms S484A.
Identifiers: ClinVar variation 2191257 (VCV002191257.1), dbSNP rs748418455, ClinGen allele CA9208134.

ClinVar aggregate classification (germline): Uncertain significance (1 of 4 stars; one submission).

gnomAD v4.1: 13 of 1,613,936 alleles (0.00081%); highest among the groups gnomAD compares: Admixed American, 0.022%; no homozygotes.

Submission:

Labcorp Genetics (formerly Invitae), Labcorp
Classification: Uncertain significance. Last evaluated: 2022-10-17. Review status: criteria provided, single submitter. Criteria: Invitae Variant Classification Sherloc (09022015). Collection method: clinical testing. Allele origin: germline.
Comment: This sequence change replaces serine, which is neutral and polar, with alanine, which is neutral and non-polar, at codon 484 of the DOCK6 protein (p.Ser484Ala). This variant is present in population databases (rs748418455, gnomAD 0.04%). This variant has not been reported in the literature in individuals affected with DOCK6-related conditions. Advanced modeling of protein sequence and biophysical properties (such as structural, functional, and spatial information, amino acid conservation, physicochemical variation, residue mobility, and thermodynamic stability) performed at Invitae indicates that this missense variant is not expected to disrupt DOCK6 protein function. In summary, the available evidence is currently insufficient to determine the role of this variant in disease. Therefore, it has been classified as a Variant of Uncertain Significance.